The following is an entry in ClinVar:

ClinVar aggregate classification (germline): Benign/Likely benign. Review status: criteria provided, multiple submitters, no conflicts (2 of 4 stars). 3 submissions from 3 submitters: Benign (2); Likely benign (1). Last evaluated 2025-07-25.

Allele frequency attached by ClinVar (database versions not stated): gnomAD exomes 0.00063; ExAC 0.00072; ESP Exome Variant Server 0.00192; gnomAD 0.00194 and 0.00205; TOPMed 0.00216; 1000 Genomes Project 0.00240; 1000 Genomes Project 30x 0.00265.
gnomAD v4.1: 646 of 1,611,528 alleles (0.04%); highest among the groups gnomAD compares: African/African-American, 0.66%; 3 homozygotes.

Submissions (3):

Labcorp Genetics (formerly Invitae), Labcorp
Classification: Benign. Last evaluated: 2025-07-25. Review status: criteria provided, single submitter. Criteria: Invitae Variant Classification Sherloc (09022015). Collection method: clinical testing. Allele origin: germline.

CeGaT Center for Human Genetics Tuebingen
Classification: Likely benign. Last evaluated: 2024-08-01. Review status: criteria provided, single submitter. Criteria: CeGaT Center For Human Genetics Tuebingen Variant Classification Criteria Version 2. Collection method: clinical testing. Allele origin: germline. Affected: yes. Observed: 1 variant allele.
Comment: PPP2R5B: BP4, BP7

Breakthrough Genomics
Classification: Benign. Review status: criteria provided, single submitter. Criteria: ACMG Guidelines, 2015. Collection method: not provided. Allele origin: germline. Inheritance: Unknown mechanism. Affected: yes.

NM_006244.4(PPP2R5B):c.183G>A (p.Pro61=)

Gene: PPP2R5B (protein phosphatase 2 regulatory subunit B'beta; plus strand). Cytogenetic location: 11q13.1.
Variant type: single nucleotide variant.
Coding change: c.183G>A on transcript NM_006244.4 (MANE Select); coding-DNA position 183, G replaced by A.
Protein change: p.Pro61=; no amino-acid change (proline 61 retained).
Molecular consequence: synonymous variant.
Genome position (GRCh38, 1-based): chr11:64,925,917, G>A. VCF-style: chr11-64925917-G-A. GRCh37 (hg19) VCF-style: chr11-64693389-G-A.
Identifiers: ClinVar variation 1589486 (VCV001589486.25), dbSNP rs146202052, ClinGen allele CA6086742.
Genomic context (GRCh38, chr11:64,925,917, plus strand): 5'-CCGCCGCTCCCACAGCTCCTCTCAGTTCCGCTATCAGAGCAACCAGCAAGAGCTCACACC[G>A]CTGCCCCTGCTCAAAGGTGAGCTGGCTGCTGGCCACTGGGGGAACCGAACCCCCGAGGGG-3'
Protein context (NP_006235.1, residues 51-71): RYQSNQQELT[Pro61=]LPLLKDVPAS